The following is an entry in ClinVar:

ClinVar aggregate classification (germline): Uncertain significance. Review status: criteria provided, multiple submitters, no conflicts (2 of 4 stars). 4 submissions from 4 submitters: Uncertain significance (4). Last evaluated 2025-12-15.

Conditions:
Marfan syndrome (MFS). Also called: MARFAN SYNDROME, TYPE I; FBN1-Related Marfan Syndrome; Marfan syndrome type 1; Marfan's syndrome; Marfan syndrome, classic. Identifiers: Orphanet 284963, Orphanet 558, MedGen C0024796, MONDO:0007947, OMIM 154700.
Familial thoracic aortic aneurysm and aortic dissection (TAAD). Also called: Thoracic aortic aneurysms and dissections. Identifiers: Orphanet 91387, MedGen C4707243, MONDO:0019625.

Allele frequency attached by ClinVar (database versions not stated): gnomAD exomes below 0.00001.
gnomAD v4.1: 2 of 1,614,136 alleles (0.00012%); highest among the groups gnomAD compares: Non-Finnish European, 0.00017%; no homozygotes.

Submissions (4):

Ambry Genetics
Classification: Uncertain significance for Familial thoracic aortic aneurysm and aortic dissection. Last evaluated: 2025-12-15. Review status: criteria provided, single submitter. Criteria: Ambry Variant Classification Scheme 2023. Collection method: clinical testing. Allele origin: germline.
Comment: The c.7510A>T (p.I2504F) alteration is located in exon 61 (coding exon 60) of the FBN1 gene. This alteration results from a A to T substitution at nucleotide position 7510, causing the isoleucine (I) at amino acid position 2504 to be replaced by a phenylalanine (F). Based on data from gnomAD, the T allele has an overall frequency of <0.001% (1/251244) total alleles studied. The highest observed frequency was 0.001% (1/113580) of European (non-Finnish) alleles. Based on insufficient or conflicting evidence, the clinical significance of this alteration remains unclear.

Color Diagnostics, LLC DBA Color Health
Classification: Uncertain significance for Familial thoracic aortic aneurysm and aortic dissection. Last evaluated: 2024-03-06. Review status: criteria provided, single submitter. Criteria: ACMG Guidelines, 2015. Collection method: clinical testing. Allele origin: germline.
Comment: This missense variant replaces isoleucine with phenylalanine at codon 2504 of the FBN1 protein. Computational prediction suggests that this variant may have deleterious impact on protein structure and function (internally defined REVEL score threshold >= 0.7, PMID: 27666373). To our knowledge, functional studies have not been reported for this variant. This variant has not been reported in individuals affected with cardiovascular disorders in the literature. This variant has been identified in 1/251244 chromosomes in the general population by the Genome Aggregation Database (gnomAD). The available evidence is insufficient to determine the role of this variant in disease conclusively. Therefore, this variant is classified as a Variant of Uncertain Significance.

Blueprint Genetics
Classification: Uncertain significance. Last evaluated: 2024-01-05. Review status: criteria provided, single submitter. Criteria: ACMG Guidelines, 2015. Collection method: clinical testing. Allele origin: germline.

Labcorp Genetics (formerly Invitae), Labcorp
Classification: Uncertain significance for Marfan syndrome; Familial thoracic aortic aneurysm and aortic dissection. Last evaluated: 2020-02-12. Review status: criteria provided, single submitter. Criteria: Invitae Variant Classification Sherloc (09022015). Collection method: clinical testing. Allele origin: germline.
Comment: Algorithms developed to predict the effect of missense changes on protein structure and function do not agree on the potential impact of this missense change (SIFT: "Deleterious"; PolyPhen-2: "Possibly Damaging"; Align-GVGD: "Class C0"). In summary, this variant is a novel missense change with uncertain impact on protein function. It has been classified as a Variant of Uncertain Significance. This sequence change replaces isoleucine with phenylalanine at codon 2504 of the FBN1 protein (p.Ile2504Phe). The isoleucine residue is highly conserved and there is a small physicochemical difference between isoleucine and phenylalanine. This variant is not present in population databases (ExAC no frequency) and has not been reported in the literature in individuals with a FBN1-related disease.

NM_000138.5(FBN1):c.7510A>T (p.Ile2504Phe)

Gene: FBN1 (fibrillin 1; minus strand). Cytogenetic location: 15q21.1.
Variant type: single nucleotide variant.
Coding change: c.7510A>T on transcript NM_000138.5 (MANE Select); coding-DNA position 7510, A replaced by T.
Protein change: p.Ile2504Phe; replaces isoleucine 2504 with phenylalanine.
Molecular consequence: missense variant.
Genome position (GRCh38, 1-based): chr15:48,422,012, T>A on the plus strand (A>T on the coding strand, the complement: FBN1 is on the minus strand). VCF-style: chr15-48422012-T-A. GRCh37 (hg19) VCF-style: chr15-48714209-T-A.
Other names: short protein forms I2504F.
Identifiers: ClinVar variation 457261 (VCV000457261.12), dbSNP rs1223532755, ClinGen allele CA392325977.
Genomic context (GRCh38, chr15:48,422,012, plus strand): 5'-CAATGCAGGACGTATGGTGTTGGGTAAATCCGGGAGGACATTTGCATGTGAAGCCGCCAA[T>A]GGTGTTAACACATAGGAACTGGCAGTTGTGTTGCTTGGTTGCACACTCATCAAGATCTAC-3'
Protein context (NP_000129.3, residues 2494-2514): HNCQFLCVNT[Ile2504Phe]GGFTCKCPPG